The following is an entry in ClinVar:

ClinVar aggregate classification (germline): Uncertain significance. Review status: criteria provided, multiple submitters, no conflicts (2 of 4 stars). 2 submissions from 2 submitters: Uncertain significance (2). Last evaluated 2025-05-19.

Conditions:
Cataract 6 multiple types. Also called: CATARACT 6, POSTERIOR POLAR; CATARACT 6, CONGENITAL TOTAL; CATARACT, AGE-RELATED CORTICAL, 2. Identifiers: Orphanet 91492, MedGen C1861825, MONDO:0007288, OMIM 116600.
Inborn genetic diseases. Identifiers: MedGen C0950123, MeSH D030342.

Allele frequency attached by ClinVar (database versions not stated): ExAC 0.00001.
gnomAD v4.1: 6 of 1,613,824 alleles (0.00037%); no homozygotes.

Submissions (2):

Ambry Genetics
Classification: Uncertain significance for Inborn genetic diseases. Last evaluated: 2025-05-19. Review status: criteria provided, single submitter. Criteria: Ambry Variant Classification Scheme 2023. Collection method: clinical testing. Allele origin: germline.

Labcorp Genetics (formerly Invitae), Labcorp
Classification: Uncertain significance for Cataract 6 multiple types. Last evaluated: 2022-08-09. Review status: criteria provided, single submitter. Criteria: Invitae Variant Classification Sherloc (09022015). Collection method: clinical testing. Allele origin: germline.
Comment: Advanced modeling of protein sequence and biophysical properties (such as structural, functional, and spatial information, amino acid conservation, physicochemical variation, residue mobility, and thermodynamic stability) performed at Invitae indicates that this missense variant is not expected to disrupt EPHA2 protein function. In summary, the available evidence is currently insufficient to determine the role of this variant in disease. Therefore, it has been classified as a Variant of Uncertain Significance. ClinVar contains an entry for this variant (Variation ID: 1420625). This sequence change replaces glutamic acid, which is acidic and polar, with aspartic acid, which is acidic and polar, at codon 308 of the EPHA2 protein (p.Glu308Asp). This variant is present in population databases (rs759269511, gnomAD 0.006%). This variant has not been reported in the literature in individuals affected with EPHA2-related conditions.

NM_004431.5(EPHA2):c.924G>C (p.Glu308Asp)

Gene: EPHA2 (EPH receptor A2; minus strand). Cytogenetic location: 1p36.13.
Variant type: single nucleotide variant.
Coding change: c.924G>C on transcript NM_004431.5 (MANE Select); coding-DNA position 924, G replaced by C.
Protein change: p.Glu308Asp; replaces glutamic acid 308 with aspartic acid.
Molecular consequence: missense variant.
Genome position (GRCh38, 1-based): chr1:16,138,330, C>G on the plus strand (G>C on the coding strand, the complement: EPHA2 is on the minus strand). VCF-style: chr1-16138330-C-G. GRCh37 (hg19) VCF-style: chr1-16464825-C-G.
Other names: c.762G>C, p.Glu254Asp (NM_001329090.2); c.924G>C (NM_004431.3); short protein forms E254D, E308D.
Identifiers: ClinVar variation 1420625 (VCV001420625.9), dbSNP rs759269511, ClinGen allele CA625379.